The following is an entry in ClinVar:

ClinVar aggregate classification (germline): Uncertain significance (1 of 4 stars; one submission).

Conditions:
3-methylglutaconic aciduria, type VIIB (MGCA7B). Also called: CLPB Deficiency; 3-methylglutaconic aciduria with cataracts, neurologic involvement and neutropenia; 3-methylglutaconic aciduria, type VII, with cataracts, neurologic involvement and neutropenia. Identifiers: Orphanet 445038, MedGen C5676893, MONDO:0014561, OMIM 616271.

Allele frequency attached by ClinVar (database versions not stated): gnomAD exomes below 0.00001.

Submission:

Labcorp Genetics (formerly Invitae), Labcorp
Classification: Uncertain significance for 3-methylglutaconic aciduria, type VIIB. Last evaluated: 2022-10-27. Review status: criteria provided, single submitter. Criteria: Invitae Variant Classification Sherloc (09022015). Collection method: clinical testing. Allele origin: germline.
Comment: Experimental studies and prediction algorithms are not available or were not evaluated, and the functional significance of this variant is currently unknown. In summary, the available evidence is currently insufficient to determine the role of this variant in disease. Therefore, it has been classified as a Variant of Uncertain Significance. This variant has not been reported in the literature in individuals affected with CLPB-related conditions. This sequence change results in a frameshift in the CLPB gene (p.Pro700Argfs*22). While this is not anticipated to result in nonsense mediated decay, it is expected to disrupt the last 8 amino acid(s) of the CLPB protein and extend the protein by 13 additional amino acid residues. This variant is not present in population databases (gnomAD no frequency).

NM_001258392.3(CLPB):c.2009_2010del (p.Pro670fs)

Gene: CLPB (ClpB family mitochondrial disaggregase; minus strand). Cytogenetic location: 11q13.4.
Variant type: Deletion.
Coding change: c.2009_2010del on transcript NM_001258392.3 (MANE Select); coding-DNA positions 2009 to 2010, 2 bases deleted (CT; older notation c.2009_2010delCT).
Protein change: p.Pro670fs; shifts the reading frame from proline 670.
Molecular consequence: frameshift variant.
Genome position (GRCh38, 1-based): chr11:72,293,391-72,293,392, AG deleted on the plus strand (CT on the coding strand, the reverse complement: CLPB is on the minus strand). VCF-style (leftmost placement, unchanged base first): chr11-72293390-CAG-C. GRCh37 (hg19) VCF-style: chr11-72004434-CAG-C.
Other names: c.1922_1923del, p.Pro641fs (NM_001258393.3); c.1964_1965del, p.Pro655fs (NM_001258394.3); c.2099_2100del, p.Pro700fs (NM_030813.6); short protein forms P655fs, P641fs, P670fs, P700fs.
Identifiers: ClinVar variation 2809996 (VCV002809996.3), dbSNP rs2539312407, ClinGen allele CA2614947015.
Genomic context (GRCh38, chr11:72,293,390, plus strand): 5'-TGGATGGTGAGGGCACATAGGAGCAGGCAGGTGGCTGCTAGATGGTGTTGCACACCTTCT[CAG>C]GGTGCAGTGGTGCCCGGATGTCCAGTCTGCGAGTCTTGCTGTCCTTGTCGATGATCTCCA-3'